The following is an entry in ClinVar:

ClinVar aggregate classification (germline): Likely benign (0 of 4 stars; one submission).

Conditions:
KDM6B-related disorder. Also called: KDM6B-related condition.

Allele frequency attached by ClinVar (database versions not stated): gnomAD exomes 0.00004; gnomAD 0.00007; TOPMed 0.00010; ExAC 0.00018; 1000 Genomes Project 0.00040; 1000 Genomes Project 30x 0.00047.

Submission:

PreventionGenetics, part of Exact Sciences
Classification: Likely benign for KDM6B-related condition. Last evaluated: 2019-03-26. Review status: no assertion criteria provided. Collection method: clinical testing. Allele origin: germline.
Comment: This variant is classified as likely benign based on ACMG/AMP sequence variant interpretation guidelines (Richards et al. 2015 PMID: 25741868, with internal and published modifications).

NM_001348716.2(KDM6B):c.3432C>T (p.Arg1144=)

Gene: KDM6B (lysine demethylase 6B; plus strand). Cytogenetic location: 17p13.1.
Variant type: single nucleotide variant.
Coding change: c.3432C>T on transcript NM_001348716.2 (MANE Select); coding-DNA position 3432, C replaced by T.
Protein change: p.Arg1144=; no amino-acid change (arginine 1144 retained).
Molecular consequence: synonymous variant.
Genome position (GRCh38, 1-based): chr17:7,849,720, C>T. VCF-style: chr17-7849720-C-T. GRCh37 (hg19) VCF-style: chr17-7753038-C-T.
Other names: c.3432C>T, p.Arg1144= (NM_001080424.2).
Identifiers: ClinVar variation 3046613 (VCV003046613.2), dbSNP rs79784019, ClinGen allele CA8361148.